The following is an entry in ClinVar:

ClinVar aggregate classification (germline): Uncertain significance (1 of 4 stars; one submission).

Conditions:
Intellectual developmental disorder with macrocephaly, seizures, and speech delay. Identifiers: MedGen C4748428, MONDO:0032568, OMIM 618158.

Submission:

Juno Genomics, Hangzhou Juno Genomics, Inc
Classification: Uncertain significance for Intellectual developmental disorder with macrocephaly, seizures, and speech delay. Review status: criteria provided, single submitter. Criteria: ACMG Guidelines, 2015. Collection method: clinical testing. Allele origin: germline.
Comment: Absent from controls (or at extremely low frequency if recessive) in Genome Aggregation Database.;Missense variant in a gene that has a low rate of benign missense variation.;Multiple lines of computational evidence support a deleterious effect on the gene or gene product.

NM_002576.5(PAK1):c.377A>G (p.Asp126Gly)

Gene: PAK1 (p21 (RAC1) activated kinase 1; minus strand). Cytogenetic location: 11q13.5.
Variant type: single nucleotide variant.
Coding change: c.377A>G on transcript NM_002576.5 (MANE Select); coding-DNA position 377, A replaced by G.
Protein change: p.Asp126Gly; replaces aspartic acid 126 with glycine.
Molecular consequence: missense variant. On other transcripts: non-coding transcript variant (2), intron variant (1).
Genome position (GRCh38, 1-based): chr11:77,379,303, T>C on the plus strand (A>G on the coding strand, the complement: PAK1 is on the minus strand). VCF-style: chr11-77379303-T-C. GRCh37 (hg19) VCF-style: chr11-77090348-T-C.
Other names: c.377A>G, p.Asp126Gly (NM_001376268.1, NM_001376269.1, NM_001376270.1 and 26 more transcripts); c.398A>G, p.Asp133Gly (NM_001376272.1); c.83A>G, p.Asp28Gly (NM_001376302.1, NM_001376304.1, NM_001376305.1); c.191-4938A>G (NM_001376301.1); short protein forms D126G, D133G, D28G.
Identifiers: ClinVar variation 5004997 (VCV005004997.2).
Genomic context (GRCh38, chr11:77,379,303, plus strand): 5'-GTAAAGCTCATGTATTTCTGGCTGTTGGATGTCTTCTTCGAGTTGTAAAACTCCAACACA[T>C]CCAGAACAGCCTGCGGGTTTTTCTTCTGCTCCGACTTAGTGATATTTGATGTCTGAAGCA-3'
Protein context (NP_002567.3, residues 116-136): EQKKNPQAVL[Asp126Gly]VLEFYNSKKT